The following is an entry in ClinVar:

NM_130839.5(UBE3A):c.2281-12T>C

Genes: SNHG14 (small nucleolar RNA host gene 14; plus strand), UBE3A (ubiquitin protein ligase E3A; minus strand). Cytogenetic location: 15q11.2.
Variant type: single nucleotide variant.
Coding change: c.2281-12T>C on transcript NM_130839.5 (MANE Select); 12 bases into the intron before coding-DNA position 2281, T replaced by C.
Molecular consequence: intron variant.
Genome position (GRCh38, 1-based): chr15:25,354,438, A>G on the plus strand (T>C on the coding strand, the complement: UBE3A is on the minus strand). VCF-style: chr15-25354438-A-G. GRCh37 (hg19) VCF-style: chr15-25599585-A-G.
Other names: c.2104-12T>C (NM_001354546.2); c.970-12T>C (NM_001354551.2); c.2056-12T>C (NM_001354549.2); c.2065-12T>C (NM_001354548.2, NM_001354547.2); c.2221-12T>C (NM_130838.4, NM_001354542.2, NM_001354523.2 and 14 more transcripts); c.1030-12T>C (NM_001354550.2); c.2125-12T>C (NM_001354545.2); c.2281-12T>C (NM_001354538.2, NM_001354505.1); and 1 more.
Identifiers: ClinVar variation 511260 (VCV000511260.1), dbSNP rs1297457627, ClinGen allele CA658798284.

ClinVar aggregate classification (germline): Likely benign (1 of 4 stars; one submission).

Allele frequency attached by ClinVar (database versions not stated): gnomAD exomes below 0.00001; TOPMed below 0.00001; gnomAD 0.00001.
gnomAD v4.1: 5 of 1,613,534 alleles (0.00031%); highest among the groups gnomAD compares: Non-Finnish European, 0.00034%; no homozygotes.

Submission:

GeneDx
Classification: Likely benign. Last evaluated: 2017-08-04. Review status: criteria provided, single submitter. Criteria: GeneDx Variant Classification (06012015). Collection method: clinical testing. Allele origin: germline. Affected: yes.
Comment: This variant is considered likely benign or benign based on one or more of the following criteria: it is a conservative change, it occurs at a poorly conserved position in the protein, it is predicted to be benign by multiple in silico algorithms, and/or has population frequency not consistent with disease.